The following is an entry in ClinVar:

NM_139318.5(KCNH5):c.2410A>C (p.Lys804Gln)

Gene: KCNH5 (potassium voltage-gated channel subfamily H member 5; minus strand). Cytogenetic location: 14q23.2.
Variant type: single nucleotide variant.
Coding change: c.2410A>C on transcript NM_139318.5 (MANE Select); coding-DNA position 2410, A replaced by C.
Protein change: p.Lys804Gln; replaces lysine 804 with glutamine.
Molecular consequence: missense variant. On other transcripts: 3 prime UTR variant (1).
Genome position (GRCh38, 1-based): chr14:62,708,065, T>G on the plus strand (A>C on the coding strand, the complement: KCNH5 is on the minus strand). VCF-style: chr14-62708065-T-G. GRCh37 (hg19) VCF-style: chr14-63174783-T-G.
Other names: c.2410A>C (NM_139318.3); c.*377A>C (NM_172375.3); short protein forms K804Q.
Identifiers: ClinVar variation 2048388 (VCV002048388.5), dbSNP rs2502653731, ClinGen allele CA390100672.
Genomic context (GRCh38, chr14:62,708,065, plus strand): 5'-TCTCCTCATGGGCTCCCATATTATTCTTGAGTCGCAGCCACCCTTTTCCATTTCCATTCT[T>G]CATTCTTATTGGGCTGTTGACTTTGAGACATTTTTGGTCAGCACCGCCGTTGGGCTTGAG-3'
Protein context (NP_647479.2, residues 794-814): CLKVNSPIRM[Lys804Gln]NGNGKGWLRL

ClinVar aggregate classification (germline): Uncertain significance. Review status: criteria provided, multiple submitters, no conflicts (2 of 4 stars). 2 submissions from 2 submitters: Uncertain significance (2). Last evaluated 2025-08-04.

Conditions:
Early-infantile DEE. Also called: Ohtahara syndrome; Early infantile epileptic encephalopathy; Early infantile epileptic encephalopathy with suppression bursts. Identifiers: Orphanet 1934, MedGen C0393706, MONDO:0800491.
Inborn genetic diseases. Identifiers: MedGen C0950123, MeSH D030342.

Allele frequency attached by ClinVar (database versions not stated): gnomAD exomes below 0.00001.
gnomAD v4.1: 1 of 1,614,220 alleles (0.000062%); highest among the groups gnomAD compares: Non-Finnish European, 0.000085%; no homozygotes.

Submissions (2):

Ambry Genetics
Classification: Uncertain significance for Inborn genetic diseases. Last evaluated: 2025-08-04. Review status: criteria provided, single submitter. Criteria: Ambry Variant Classification Scheme 2023. Collection method: clinical testing. Allele origin: germline.

Labcorp Genetics (formerly Invitae), Labcorp
Classification: Uncertain significance for Early-infantile DEE. Last evaluated: 2022-01-15. Review status: criteria provided, single submitter. Criteria: Invitae Variant Classification Sherloc (09022015). Collection method: clinical testing. Allele origin: germline.
Comment: This sequence change replaces lysine, which is basic and polar, with glutamine, which is neutral and polar, at codon 804 of the KCNH5 protein (p.Lys804Gln). This variant is not present in population databases (gnomAD no frequency). This variant has not been reported in the literature in individuals affected with KCNH5-related conditions. Advanced modeling of protein sequence and biophysical properties (such as structural, functional, and spatial information, amino acid conservation, physicochemical variation, residue mobility, and thermodynamic stability) performed at Invitae indicates that this missense variant is not expected to disrupt KCNH5 protein function. In summary, the available evidence is currently insufficient to determine the role of this variant in disease. Therefore, it has been classified as a Variant of Uncertain Significance.